The following is an entry in ClinVar:

NM_017777.4(MKS1):c.97A>G (p.Ile33Val)

Gene: MKS1 (MKS transition zone complex subunit 1; minus strand). Cytogenetic location: 17q22.
Variant type: single nucleotide variant.
Coding change: c.97A>G on transcript NM_017777.4 (MANE Select); coding-DNA position 97, A replaced by G.
Protein change: p.Ile33Val; replaces isoleucine 33 with valine.
Molecular consequence: missense variant. On other transcripts: 5 prime UTR variant (1).
Genome position (GRCh38, 1-based): chr17:58,218,713, T>C on the plus strand (A>G on the coding strand, the complement: MKS1 is on the minus strand). VCF-style: chr17-58218713-T-C. GRCh37 (hg19) VCF-style: chr17-56296074-T-C.
Other names: c.-415A>G (NM_001321268.2); c.97A>G, p.Ile33Val (NM_001321269.2, NM_001330397.2, NM_001411113.1); short protein forms I33V.
Identifiers: ClinVar variation 3348595 (VCV003348595.1).
Genomic context (GRCh38, chr17:58,218,713, plus strand): 5'-CTATGAGGTCCTTCCCGAGCTCGGCAGCAGGCTGATAATGAAGAAAGTTGCTTGATGTGA[T>C]TCTTTGCAGGTGGACTCTGTCAAGAAAAGCCCAAAATATTCGTTACCAGACACGCAACCA-3'
Protein context (NP_060247.2, residues 23-43): NLRLRVHLQR[Ile33Val]TSSNFLHYQP

ClinVar aggregate classification (germline): Uncertain significance (0 of 4 stars; one submission).

Conditions:
MKS1-related disorder. Also called: MKS1-related condition; MKS1-related disorders. Identifiers: MedGen CN239382.

Submission:

PreventionGenetics, part of Exact Sciences
Classification: Uncertain significance for MKS1-related condition. Last evaluated: 2024-03-05. Review status: no assertion criteria provided. Collection method: clinical testing. Allele origin: germline.
Comment: The MKS1 c.97A>G variant is predicted to result in the amino acid substitution p.Ile33Val. To our knowledge, this variant has not been reported in the literature or in a large population database, indicating this variant is rare. At this time, the clinical significance of this variant is uncertain due to the absence of conclusive functional and genetic evidence.